The following is an entry in ClinVar:

ClinVar aggregate classification (germline): Likely benign. Review status: criteria provided, multiple submitters, no conflicts (2 of 4 stars). 3 submissions from 3 submitters: Likely benign (2). 1 of the submissions does not count toward it. Last evaluated 2025-11-03.

Conditions:
EGFR-related lung cancer (EGFR). Identifiers: MedGen CN130014.
Hereditary cancer-predisposing syndrome. Also called: Hereditary neoplastic syndrome; Hereditary Cancer Syndrome; Tumor predisposition; Neoplastic Syndromes, Hereditary. Identifiers: Orphanet 140162, MedGen C0027672, MeSH D009386, MONDO:0015356.
EGFR-related disorder. Also called: EGFR-related condition.

gnomAD v4.1: 7 of 1,614,162 alleles (0.00043%); highest among the groups gnomAD compares: Admixed American, 0.0017%; no homozygotes.

Submissions (3):

Labcorp Genetics (formerly Invitae), Labcorp
Classification: Likely benign for EGFR-related lung cancer. Last evaluated: 2025-11-03. Review status: criteria provided, single submitter. Criteria: Invitae Variant Classification Sherloc (09022015). Collection method: clinical testing. Allele origin: germline.

Ambry Genetics
Classification: Likely benign for Hereditary cancer-predisposing syndrome. Last evaluated: 2024-11-25. Review status: criteria provided, single submitter. Criteria: Ambry Variant Classification Scheme 2023. Collection method: clinical testing. Allele origin: germline.

PreventionGenetics, part of Exact Sciences
Classification: Likely benign for EGFR-related condition. Last evaluated: 2024-01-09. Review status: no assertion criteria provided. Collection method: clinical testing. Allele origin: germline. Not counted in ClinVar's aggregate classification.
Comment: This variant is classified as likely benign based on ACMG/AMP sequence variant interpretation guidelines (Richards et al. 2015 PMID: 25741868, with internal and published modifications).

NM_005228.5(EGFR):c.3024C>T (p.Asp1008=)

Gene: EGFR (epidermal growth factor receptor; plus strand). Cytogenetic location: 7p11.2.
Variant type: single nucleotide variant.
Coding change: c.3024C>T on transcript NM_005228.5 (MANE Select); coding-DNA position 3024, C replaced by T.
Protein change: p.Asp1008=; no amino-acid change (aspartic acid 1008 retained).
Molecular consequence: synonymous variant.
Genome position (GRCh38, 1-based): chr7:55,201,265, C>T. VCF-style: chr7-55201265-C-T. GRCh37 (hg19) VCF-style: chr7-55268958-C-T.
Other names: c.3024C>T (NM_005228.3, NM_005228.4); c.2889C>T, p.Asp963= (NM_001346897.2, NM_001346899.2); c.3024C>T, p.Asp1008= (NM_001346898.2); c.2865C>T, p.Asp955= (NM_001346900.2); c.2223C>T, p.Asp741= (NM_001346941.2).
Identifiers: ClinVar variation 1138436 (VCV001138436.12), dbSNP rs747143752, ClinGen allele CA158937860.